The following is an entry in ClinVar:

NM_006912.6(RIT1):c.163+10A>G

Gene: RIT1 (Ras like without CAAX 1; minus strand). Cytogenetic location: 1q22.
Variant type: single nucleotide variant.
Coding change: c.163+10A>G on transcript NM_006912.6 (MANE Select); 10 bases into the intron after coding-DNA position 163, A replaced by G.
Molecular consequence: intron variant.
Genome position (GRCh38, 1-based): chr1:155,910,440, T>C on the plus strand (A>G on the coding strand, the complement: RIT1 is on the minus strand). VCF-style: chr1-155910440-T-C. GRCh37 (hg19) VCF-style: chr1-155880231-T-C.
Other names: c.55+10A>G (NM_001256820.2); c.214+10A>G (NM_001256821.2).
Identifiers: ClinVar variation 3015050 (VCV003015050.6), dbSNP rs758651076, ClinGen allele CA30950749.

ClinVar aggregate classification (germline): Likely benign. Review status: criteria provided, multiple submitters, no conflicts (2 of 4 stars). 2 submissions from 2 submitters: Likely benign (2). Last evaluated 2025-01-09.

Conditions:
Noonan syndrome 8 (NS8). Identifiers: Orphanet 648, MedGen C3809233, MONDO:0014143, OMIM 615355.

Allele frequency attached by ClinVar (database versions not stated): TOPMed below 0.00001.

Submissions (2):

Women's Health and Genetics/Laboratory Corporation of America, LabCorp
Classification: Likely benign. Last evaluated: 2025-01-09. Review status: criteria provided, single submitter. Criteria: LabCorp Variant Classification Summary - May 2015. Collection method: clinical testing. Allele origin: germline.
Comment: Variant summary: RIT1 c.163+10A>G alters a non-conserved nucleotide located at a position not widely known to affect splicing. Consensus agreement among computation tools predict no significant impact on normal splicing. However, these predictions have yet to be confirmed by functional studies. The variant was absent in 251352 control chromosomes. The available data on variant occurrences in the general population are insufficient to allow any conclusion about variant significance. To our knowledge, no occurrence of c.163+10A>G in individuals affected with Noonan Syndrome and no experimental evidence demonstrating its impact on protein function have been reported. ClinVar contains an entry for this variant (Variation ID: 3015050). Based on the evidence outlined above, the variant was classified as likely benign.

Labcorp Genetics (formerly Invitae), Labcorp
Classification: Likely benign for Noonan syndrome 8. Last evaluated: 2024-08-19. Review status: criteria provided, single submitter. Criteria: Invitae Variant Classification Sherloc (09022015). Collection method: clinical testing. Allele origin: germline.